The following is an entry in ClinVar:

ClinVar aggregate classification (germline): Uncertain significance (1 of 4 stars; one submission).

gnomAD v4.1: 37 of 1,610,028 alleles (0.0023%); highest among the groups gnomAD compares: Non-Finnish European, 0.0031%; no homozygotes.

Submission:

Labcorp Genetics (formerly Invitae), Labcorp
Classification: Uncertain significance. Last evaluated: 2024-12-30. Review status: criteria provided, single submitter. Criteria: Invitae Variant Classification Sherloc (09022015). Collection method: clinical testing. Allele origin: germline.
Comment: This sequence change replaces proline, which is neutral and non-polar, with serine, which is neutral and polar, at codon 1135 of the EGF protein (p.Pro1135Ser). This variant is present in population databases (rs780451968, gnomAD 0.002%). This variant has not been reported in the literature in individuals affected with EGF-related conditions. An algorithm developed to predict the effect of missense changes on protein structure and function (PolyPhen-2) suggests that this variant is likely to be tolerated. In summary, the available evidence is currently insufficient to determine the role of this variant in disease. Therefore, it has been classified as a Variant of Uncertain Significance.

NM_001963.6(EGF):c.3403C>T (p.Pro1135Ser)

Gene: EGF (epidermal growth factor; plus strand). Cytogenetic location: 4q25.
Variant type: single nucleotide variant.
Coding change: c.3403C>T on transcript NM_001963.6 (MANE Select); coding-DNA position 3403, C replaced by T.
Protein change: p.Pro1135Ser; replaces proline 1135 with serine.
Molecular consequence: missense variant. On other transcripts: synonymous variant (1).
Genome position (GRCh38, 1-based): chr4:110,011,234, C>T. VCF-style: chr4-110011234-C-T. GRCh37 (hg19) VCF-style: chr4-110932390-C-T.
Other names: c.3280C>T, p.Pro1094Ser (NM_001178130.3); c.3277C>T, p.Pro1093Ser (NM_001178131.3); c.2955C>T, p.Ser985= (NM_001357021.2); short protein forms P1093S, P1094S, P1135S.
Identifiers: ClinVar variation 3614828 (VCV003614828.2).